The following is an entry in ClinVar:

ClinVar aggregate classification (germline): Uncertain significance (1 of 4 stars; one submission).

Conditions:
Nephronophthisis. Also called: Juvenile Nephronophthisis. Identifiers: Orphanet 655, MedGen C0687120, MONDO:0019005, HP:0000090.

Allele frequency attached by ClinVar (database versions not stated): gnomAD 0.00001; gnomAD exomes 0.00001; TOPMed 0.00001; ESP Exome Variant Server 0.00008.
gnomAD v4.1: 17 of 1,613,714 alleles (0.0011%); highest among the groups gnomAD compares: Admixed American, 0.0017%; no homozygotes.

Submission:

Labcorp Genetics (formerly Invitae), Labcorp
Classification: Uncertain significance for Nephronophthisis. Last evaluated: 2021-08-01. Review status: criteria provided, single submitter. Criteria: Invitae Variant Classification Sherloc (09022015). Collection method: clinical testing. Allele origin: germline.
Comment: In summary, the available evidence is currently insufficient to determine the role of this variant in disease. Therefore, it has been classified as a Variant of Uncertain Significance. Algorithms developed to predict the effect of missense changes on protein structure and function are either unavailable or do not agree on the potential impact of this missense change (SIFT: "Deleterious"; PolyPhen-2: "Possibly Damaging"; Align-GVGD: "Class C0"). This variant has not been reported in the literature in individuals affected with NPHP4-related conditions. This variant is not present in population databases (ExAC no frequency). This sequence change replaces isoleucine with asparagine at codon 7 of the NPHP4 protein (p.Ile7Asn). The isoleucine residue is weakly conserved and there is a large physicochemical difference between isoleucine and asparagine.

NM_015102.5(NPHP4):c.20T>A (p.Ile7Asn)

Gene: NPHP4 (nephrocystin 4; minus strand). Cytogenetic location: 1p36.31.
Variant type: single nucleotide variant.
Coding change: c.20T>A on transcript NM_015102.5 (MANE Select); coding-DNA position 20, T replaced by A.
Protein change: p.Ile7Asn; replaces isoleucine 7 with asparagine.
Molecular consequence: missense variant. On other transcripts: 5 prime UTR variant (1), non-coding transcript variant (1), intron variant (1).
Genome position (GRCh38, 1-based): chr1:5,986,270, A>T on the plus strand (T>A on the coding strand, the complement: NPHP4 is on the minus strand). VCF-style: chr1-5986270-A-T. GRCh37 (hg19) VCF-style: chr1-6046330-A-T.
Other names: c.-1210T>A (NM_001291593.2); c.-1088+5974T>A (NM_001291594.2); short protein forms I7N.
Identifiers: ClinVar variation 1462258 (VCV001462258.6), dbSNP rs375883167, ClinGen allele CA17134588.